The following is an entry in ClinVar:

ClinVar aggregate classification (germline): Uncertain significance (1 of 4 stars; one submission).

Conditions:
T-cell immunodeficiency, congenital alopecia, and nail dystrophy. Also called: Congenital alopecia and nail dystrophy associated with severe functional T-cell immunodeficiency; Pignata Guarino syndrome. Identifiers: Orphanet 169095, MedGen C1866426, MONDO:0011132, OMIM 601705.

Allele frequency attached by ClinVar (database versions not stated): gnomAD exomes below 0.00001 and 0.00001.
gnomAD v4.1: 7 of 1,614,154 alleles (0.00043%); highest among the groups gnomAD compares: East Asian, 0.016%; no homozygotes.

Submission:

Labcorp Genetics (formerly Invitae), Labcorp
Classification: Uncertain significance for T-cell immunodeficiency, congenital alopecia, and nail dystrophy. Last evaluated: 2022-06-13. Review status: criteria provided, single submitter. Criteria: Invitae Variant Classification Sherloc (09022015). Collection method: clinical testing. Allele origin: germline.
Comment: This sequence change replaces proline, which is neutral and non-polar, with glutamine, which is neutral and polar, at codon 236 of the FOXN1 protein (p.Pro236Gln). In summary, the available evidence is currently insufficient to determine the role of this variant in disease. Therefore, it has been classified as a Variant of Uncertain Significance. Algorithms developed to predict the effect of missense changes on protein structure and function are either unavailable or do not agree on the potential impact of this missense change (SIFT: "Deleterious"; PolyPhen-2: "Benign"; Align-GVGD: "Class C0"). This variant has not been reported in the literature in individuals affected with FOXN1-related conditions. This variant is present in population databases (no rsID available, gnomAD 0.01%).

NM_001369369.1(FOXN1):c.707C>A (p.Pro236Gln)

Gene: FOXN1 (forkhead box N1; plus strand). Cytogenetic location: 17q11.2.
Variant type: single nucleotide variant.
Coding change: c.707C>A on transcript NM_001369369.1 (MANE Select); coding-DNA position 707, C replaced by A.
Protein change: p.Pro236Gln; replaces proline 236 with glutamine.
Molecular consequence: missense variant.
Genome position (GRCh38, 1-based): chr17:28,529,101, C>A. VCF-style: chr17-28529101-C-A. GRCh37 (hg19) VCF-style: chr17-26856119-C-A.
Other names: c.707C>A, p.Pro236Gln (NM_003593.3); short protein forms P236Q.
Identifiers: ClinVar variation 1474272 (VCV001474272.8), dbSNP rs1478261889, ClinGen allele CA398322938.